The following is an entry in ClinVar:

ClinVar aggregate classification (germline): Uncertain significance. Review status: criteria provided, multiple submitters, no conflicts (2 of 4 stars). 4 submissions from 4 submitters: Uncertain significance (3). 1 of the submissions does not count toward it. Last evaluated 2026-08-12.

Conditions:
Cardiovascular phenotype. Identifiers: MedGen CN230736.
Glycogen storage disease, type II (IOPD). Also called: Glucosidase acid-1,4-alpha deficiency; Glycogen storage disease type 2; Acid maltase deficiency disease; Aglucosidase alfa; Deficiency of alpha-glucosidase; Deficiency of lysosomal alpha-glucosidase. Identifiers: Orphanet 365, MedGen C0017921, MONDO:0009290, OMIM 232300.

Allele frequency attached by ClinVar (database versions not stated): gnomAD 0.00005 and 0.00006; gnomAD exomes 0.00005 and 0.00006; TOPMed 0.00005; ExAC 0.00009.
gnomAD v4.1: 84 of 1,612,260 alleles (0.0052%); highest among the groups gnomAD compares: Non-Finnish European, 0.0069%; no homozygotes.

Submissions (4):

Ambry Genetics
Classification: Uncertain significance for Cardiovascular phenotype. Last evaluated: 2026-08-12. Review status: criteria provided, single submitter. Criteria: Ambry Variant Classification Scheme 2023. Collection method: clinical testing. Allele origin: germline.
Comment: The p.A120G variant (also known as c.359C>G), located in coding exon 1 of the GAA gene, results from a C to G substitution at nucleotide position 359. The alanine at codon 120 is replaced by glycine, an amino acid with similar properties. This amino acid position is poorly conserved in available vertebrate species. In addition, this alteration is predicted to be tolerated by in silico analysis. Based on the available evidence, the clinical significance of this variant remains unclear.

Labcorp Genetics (formerly Invitae), Labcorp
Classification: Uncertain significance for Glycogen storage disease, type II. Last evaluated: 2024-08-12. Review status: criteria provided, single submitter. Criteria: Invitae Variant Classification Sherloc (09022015). Collection method: clinical testing. Allele origin: germline.
Comment: This sequence change replaces alanine, which is neutral and non-polar, with glycine, which is neutral and non-polar, at codon 120 of the GAA protein (p.Ala120Gly). This variant is present in population databases (rs779208773, gnomAD 0.01%). This variant has not been reported in the literature in individuals affected with GAA-related conditions. ClinVar contains an entry for this variant (Variation ID: 456421). Advanced modeling of protein sequence and biophysical properties (such as structural, functional, and spatial information, amino acid conservation, physicochemical variation, residue mobility, and thermodynamic stability) performed at Invitae indicates that this missense variant is not expected to disrupt GAA protein function with a negative predictive value of 95%. In summary, the available evidence is currently insufficient to determine the role of this variant in disease. Therefore, it has been classified as a Variant of Uncertain Significance.

Fulgent Genetics
Classification: Uncertain significance for Glycogen storage disease, type II. Last evaluated: 2021-11-23. Review status: criteria provided, single submitter. Criteria: ACMG Guidelines, 2015. Collection method: clinical testing. Allele origin: unknown.

Natera, Inc.
Classification: Uncertain significance for Glycogen storage disease type II. Last evaluated: 2019-10-28. Review status: no assertion criteria provided. Collection method: clinical testing. Allele origin: germline. Not counted in ClinVar's aggregate classification.

NM_000152.5(GAA):c.359C>G (p.Ala120Gly)

Gene: GAA (alpha glucosidase; plus strand). Cytogenetic location: 17q25.3.
Variant type: single nucleotide variant.
Coding change: c.359C>G on transcript NM_000152.5 (MANE Select); coding-DNA position 359, C replaced by G.
Protein change: p.Ala120Gly; replaces alanine 120 with glycine.
Molecular consequence: missense variant.
Genome position (GRCh38, 1-based): chr17:80,104,945, C>G. VCF-style: chr17-80104945-C-G. GRCh37 (hg19) VCF-style: chr17-78078744-C-G.
Other names: c.359C>G (LRG_673t1); c.359C>G, p.Ala120Gly (NM_001079803.3, NM_001079804.3); short protein forms A120G.
Identifiers: ClinVar variation 456421 (VCV000456421.11), dbSNP rs779208773, ClinGen allele CA8814855.